The following is an entry in ClinVar:

NM_000267.3(NF1):c.-383_*3522del

Genes: EVI2A (ecotropic viral integration site 2A; minus strand), EVI2B (ecotropic viral integration site 2B; minus strand), MIR4733HG (MIR4733 host gene; minus strand), NF1 (neurofibromin 1; plus strand), OMG (oligodendrocyte myelin glycoprotein; minus strand) and 10 more. Cytogenetic location: 17q11.2.
Variant type: Deletion.
Coding change: c.-383_*3522del on transcript NM_000267.3; 383 bases upstream of the start codon through 3522 bases downstream of the stop codon, this stretch deleted.
Other names: c.-383_*3522del (LRG_214t1).
Identifiers: ClinVar variation 237507 (VCV000237507.3).

ClinVar aggregate classification (germline): Pathogenic (1 of 4 stars; one submission).

Conditions:
Neurofibromatosis, type 1 (NF1). Also called: VON RECKLINGHAUSEN DISEASE; NEUROFIBROMATOSIS, TYPE I, SOMATIC; Peripheral type neurofibromatosis; Neurofibromatosis, type I. Identifiers: Orphanet 636, MedGen C0027831, MONDO:0018975, OMIM 162200. Disease mechanism: loss of function.

Submission:

Labcorp Genetics (formerly Invitae), Labcorp
Classification: Pathogenic for Neurofibromatosis, type 1. Last evaluated: 2019-11-27. Review status: criteria provided, single submitter. Criteria: Invitae Variant Classification Sherloc (09022015). Collection method: clinical testing. Allele origin: germline.
Comment: A gross deletion of the genomic region encompassing the full coding sequence of the NF1 gene has been identified. The boundaries of this event are unknown as the deletion extends beyond the assayed region for this gene and therefore may encompass additional genes. Larger deletion events that include the NF1 gene been observed in many individuals with neurofibromatosis type 1 (PMID: 8116612, 9643287, 8931693). ClinVar contains an entry for this deletion (Variation ID: 237507). Loss-of-function variants in NF1 are known to be pathogenic (PMID: 10712197, 23913538). For these reasons, this variant has been classified as Pathogenic.

Literature cited by the submitters: PubMed 8931693; PubMed 8116612; PubMed 9643287.